The following is an entry in ClinVar:

NM_001303256.3(MORC2):c.1396G>A (p.Asp466Asn)

Gene: MORC2 (MORC family CW-type zinc finger 2; minus strand). Cytogenetic location: 22q12.2.
Variant type: single nucleotide variant.
Coding change: c.1396G>A on transcript NM_001303256.3 (MANE Select); coding-DNA position 1396, G replaced by A.
Protein change: p.Asp466Asn; replaces aspartic acid 466 with asparagine.
Molecular consequence: missense variant.
Genome position (GRCh38, 1-based): chr22:30,937,685, C>T on the plus strand (G>A on the coding strand, the complement: MORC2 is on the minus strand). VCF-style: chr22-30937685-C-T. GRCh37 (hg19) VCF-style: chr22-31333672-C-T.
Other names: c.1396G>A, p.Asp466Asn (NM_001303257.2); c.1210G>A, p.Asp404Asn (NM_014941.3); short protein forms D466N, D404N.
Identifiers: ClinVar variation 2138437 (VCV002138437.5), dbSNP rs2517588823, ClinGen allele CA411238446.

ClinVar aggregate classification (germline): Pathogenic/Likely pathogenic. Review status: criteria provided, multiple submitters, no conflicts (2 of 4 stars). 2 submissions from 2 submitters: Pathogenic (1); Likely pathogenic (1). Last evaluated 2026-06-17.

Conditions:
Charcot-Marie-Tooth disease axonal type 2Z. Also called: CHARCOT-MARIE-TOOTH DISEASE, AXONAL, AUTOSOMAL DOMINANT, TYPE 2Z; CHARCOT-MARIE-TOOTH NEUROPATHY, TYPE 2Z. Identifiers: Orphanet 466768, MedGen C5569025, MONDO:0014736, OMIM 616688.

Submissions (2):

Clinical Genetics Laboratory, Skane University Hospital Lund
Classification: Likely pathogenic for Charcot-Marie-Tooth disease axonal type 2Z. Last evaluated: 2026-06-17. Review status: criteria provided, single submitter. Criteria: ACMG Guidelines, 2015. Collection method: clinical testing. Allele origin: germline. Affected: yes.
Comment: PS4_Supporting, PM2, PM6_Supporting, PP1_Strong, PP4 and BP4

Labcorp Genetics (formerly Invitae), Labcorp
Classification: Pathogenic for Charcot-Marie-Tooth disease axonal type 2Z. Last evaluated: 2022-08-16. Review status: criteria provided, single submitter. Criteria: Invitae Variant Classification Sherloc (09022015). Collection method: clinical testing. Allele origin: germline.
Comment: This sequence change replaces aspartic acid, which is acidic and polar, with asparagine, which is neutral and polar, at codon 466 of the MORC2 protein (p.Asp466Asn). This variant is not present in population databases (gnomAD no frequency). This missense change has been observed in individual(s) with MORC2-related conditions (PMID: 27329773, 28334961). In at least one individual the variant was observed to be de novo. It has also been observed to segregate with disease in related individuals. This variant is also known as c.1210G>A, D404N. Advanced modeling of protein sequence and biophysical properties (such as structural, functional, and spatial information, amino acid conservation, physicochemical variation, residue mobility, and thermodynamic stability) performed at Invitae indicates that this missense variant is expected to disrupt MORC2 protein function. For these reasons, this variant has been classified as Pathogenic.

Literature cited by the submitters: PubMed 27329773 (cited by Labcorp Genetics (formerly Invitae), Labcorp); PubMed 28334961 (cited by Labcorp Genetics (formerly Invitae), Labcorp).